The following is an entry in ClinVar:

ClinVar aggregate classification (germline): Benign. Review status: criteria provided, multiple submitters, no conflicts (2 of 4 stars). 5 submissions from 5 submitters: Benign (5). Last evaluated 2026-02-03.

Conditions:
Cardiac arrhythmia. Also called: Arrhythmia; Cardiac rhythm disease. Identifiers: MedGen C0003811, MONDO:0007263, HP:0011675.
Long QT syndrome (LQTS). Identifiers: MedGen C0023976, MeSH D008133, MONDO:0002442. Disease mechanism: loss of function. Inheritance: Various modes of inheritance.

Allele frequency attached by ClinVar (database versions not stated): gnomAD 0.00444 and 0.00619; TOPMed 0.00541; 1000 Genomes Project 0.01917; gnomAD exomes 0.00436 and 0.00954; 1000 Genomes Project 30x 0.01858; ExAC 0.01016; ESP Exome Variant Server 0.00285.
gnomAD v4.1: 7,347 of 1,614,068 alleles (0.46%); highest among the groups gnomAD compares: South Asian, 4.5%; 179 homozygotes.

Submissions (5):

Labcorp Genetics (formerly Invitae), Labcorp
Classification: Benign for Long QT syndrome. Last evaluated: 2026-02-03. Review status: criteria provided, single submitter. Criteria: Invitae Variant Classification Sherloc (09022015). Collection method: clinical testing. Allele origin: germline.

Blueprint Genetics
Classification: Benign. Last evaluated: 2024-11-27. Review status: criteria provided, single submitter. Criteria: ACMG Guidelines, 2015. Collection method: clinical testing. Allele origin: germline.

ARUP Laboratories, Molecular Genetics and Genomics, ARUP Laboratories
Classification: Benign. Last evaluated: 2023-03-09. Review status: criteria provided, single submitter. Criteria: ARUP Molecular Germline Variant Investigation Process 2024. Collection method: clinical testing. Allele origin: germline.

GeneDx
Classification: Benign. Last evaluated: 2015-03-03. Review status: criteria provided, single submitter. Criteria: GeneDx Variant Classification Process June 2021. Collection method: clinical testing. Allele origin: germline. Affected: yes.

Women's Health and Genetics/Laboratory Corporation of America, LabCorp
Classification: Benign for Arrhythmia. Last evaluated: 2011-08-18. Review status: criteria provided, single submitter. Criteria: LabCorp Variant Classification Summary - May 2015. Collection method: curation. Allele origin: germline. Inheritance: autosomal unknown. Affected: yes. Observed: 1 variant allele.
ClinVar note: Converted during submission from benign to Benign.

Literature cited by the submitters: PubMed 12442276 (cited by Women's Health and Genetics/Laboratory Corporation of America, LabCorp).

NM_000218.3(KCNQ1):c.1514+18C>T

Genes: KCNQ1 (potassium voltage-gated channel subfamily Q member 1; plus strand), KCNQ1OT1 (KCNQ1 opposite strand/antisense transcript 1; minus strand). Cytogenetic location: 11p15.5.
Variant type: single nucleotide variant.
Coding change: c.1514+18C>T on transcript NM_000218.3 (MANE Select); 18 bases into the intron after coding-DNA position 1514, C replaced by T.
Molecular consequence: intron variant.
Genome position (GRCh38, 1-based): chr11:2,662,099, C>T. VCF-style: chr11-2662099-C-T. GRCh37 (hg19) VCF-style: chr11-2683329-C-T.
Other names: c.1244+18C>T (NM_001406837.1); c.1418+18C>T (NM_001406836.1); c.974+18C>T (NM_001406838.1); c.1133+18C>T (NM_181798.2).
Identifiers: ClinVar variation 36435 (VCV000036435.16), dbSNP rs12577654, ClinGen allele CA005828.